The following is an entry in ClinVar:

NM_025000.4(DCAF17):c.1136A>G (p.Gln379Arg)

Gene: DCAF17 (DDB1 and CUL4 associated factor 17; plus strand). Cytogenetic location: 2q31.1.
Variant type: single nucleotide variant.
Coding change: c.1136A>G on transcript NM_025000.4 (MANE Select); coding-DNA position 1136, A replaced by G.
Protein change: p.Gln379Arg; replaces glutamine 379 with arginine.
Molecular consequence: missense variant. On other transcripts: non-coding transcript variant (1), intron variant (1).
Genome position (GRCh38, 1-based): chr2:171,476,904, A>G. VCF-style: chr2-171476904-A-G. GRCh37 (hg19) VCF-style: chr2-172333414-A-G.
Other names: c.982-1083A>G (NM_001164821.2); short protein forms Q379R.
Identifiers: ClinVar variation 1956823 (VCV001956823.2), dbSNP rs752718186, ClinGen allele CA1964901.

ClinVar aggregate classification (germline): Uncertain significance (1 of 4 stars; one submission).

Conditions:
Woodhouse-Sakati syndrome. Also called: EXTRAPYRAMIDAL DISORDER, PROGRESSIVE, WITH PRIMARY HYPOGONADISM, MENTAL RETARDATION, AND ALOPECIA; Hypogonadism, Alopecia, Diabetes Mellitus, Mental Retardation, and Extrapyramidal Syndrome; Hypogonadism, diabetes mellitus, alopecia, mental retardation and electrocardiographic abnormalities. Identifiers: Orphanet 3464, MedGen C0342286, MONDO:0009419, OMIM 241080.

Allele frequency attached by ClinVar (database versions not stated): ExAC 0.00001; gnomAD 0.00001; TOPMed 0.00001.
gnomAD v4.1: 2 of 1,613,658 alleles (0.00012%); highest among the groups gnomAD compares: African/African-American, 0.0027%; no homozygotes.

Submission:

Labcorp Genetics (formerly Invitae), Labcorp
Classification: Uncertain significance for Woodhouse-Sakati syndrome. Last evaluated: 2022-08-05. Review status: criteria provided, single submitter. Criteria: Invitae Variant Classification Sherloc (09022015). Collection method: clinical testing. Allele origin: germline.
Comment: This sequence change replaces glutamine, which is neutral and polar, with arginine, which is basic and polar, at codon 379 of the DCAF17 protein (p.Gln379Arg). This variant is present in population databases (rs752718186, gnomAD 0.007%). This variant has not been reported in the literature in individuals affected with DCAF17-related conditions. Algorithms developed to predict the effect of missense changes on protein structure and function (SIFT, PolyPhen-2, Align-GVGD) all suggest that this variant is likely to be tolerated. In summary, the available evidence is currently insufficient to determine the role of this variant in disease. Therefore, it has been classified as a Variant of Uncertain Significance.